The following is an entry in ClinVar:

ClinVar aggregate classification (germline): Uncertain significance (1 of 4 stars; one submission).

Conditions:
Hereditary cancer-predisposing syndrome. Also called: Hereditary Cancer Syndrome; Tumor predisposition; Hereditary neoplastic syndrome; Neoplastic Syndromes, Hereditary. Identifiers: Orphanet 140162, MedGen C0027672, MeSH D009386, MONDO:0015356.

gnomAD v4.1: 1 of 1,612,418 alleles (0.000062%); highest among the groups gnomAD compares: South Asian, 0.0011%; no homozygotes.

Submission:

Ambry Genetics
Classification: Uncertain significance for Hereditary cancer-predisposing syndrome. Last evaluated: 2024-04-26. Review status: criteria provided, single submitter. Criteria: Ambry Variant Classification Scheme 2023. Collection method: clinical testing. Allele origin: germline.
Comment: The p.T537I variant (also known as c.1610C>T), located in coding exon 6 of the BLM gene, results from a C to T substitution at nucleotide position 1610. The threonine at codon 537 is replaced by isoleucine, an amino acid with similar properties. This amino acid position is conserved. In addition, this alteration is predicted to be tolerated by in silico analysis. Based on the available evidence, the clinical significance of this variant remains unclear.

NM_000057.4(BLM):c.1610C>T (p.Thr537Ile)

Gene: BLM (BLM RecQ like helicase; plus strand). Cytogenetic location: 15q26.1.
Variant type: single nucleotide variant.
Coding change: c.1610C>T on transcript NM_000057.4 (MANE Select); coding-DNA position 1610, C replaced by T.
Protein change: p.Thr537Ile; replaces threonine 537 with isoleucine.
Molecular consequence: missense variant.
Genome position (GRCh38, 1-based): chr15:90,760,983, C>T. VCF-style: chr15-90760983-C-T. GRCh37 (hg19) VCF-style: chr15-91304213-C-T.
Other names: c.1610C>T, p.Thr537Ile (NM_001287246.2, NM_001287247.2); c.485C>T, p.Thr162Ile (NM_001287248.2); short protein forms T162I, T537I.
Identifiers: ClinVar variation 3261003 (VCV003261003.1).